The following is an entry in ClinVar:

NM_001303.4(COX10):c.*305A>G

Gene: COX10 (cytochrome c oxidase assembly factor heme A:farnesyltransferase COX10; plus strand). Cytogenetic location: 17p12.
Variant type: single nucleotide variant.
Coding change: c.*305A>G on transcript NM_001303.4 (MANE Select); 305 bases downstream of the stop codon, A replaced by G.
Molecular consequence: 3 prime UTR variant.
Genome position (GRCh38, 1-based): chr17:14,207,518, A>G. VCF-style: chr17-14207518-A-G. GRCh37 (hg19) VCF-style: chr17-14110835-A-G.
Identifiers: ClinVar variation 890316 (VCV000890316.27), dbSNP rs143758001, ClinGen allele CA288081256.
Genomic context (GRCh38, chr17:14,207,518, plus strand): 5'-TACATCTCTCCTCCAACCCCACCCTCTATTCTGTTTCTTCCTCCTCACATGGGGGTACAC[A>G]TACACAGCTTCCTCTTTTGGTTCCATCCTTACCACCACACCACACGCACACTCCACATGC-3'

ClinVar aggregate classification (germline): Conflicting classifications of pathogenicity. Review status: criteria provided, conflicting classifications (1 of 4 stars). 3 submissions from 2 submitters: Uncertain significance (2); Likely benign (1). Last evaluated 2022-12-01.

Conditions:
Mitochondrial complex IV deficiency, nuclear type 1 (MC4DN1). Also called: Complex 4 mitochondrial respiratory chain deficiency; Deficiency of mitochondrial respiratory chain complex4; Complex IV deficiency; Mitochondrial complex IV deficiency; COX DEFICIENCY. Identifiers: MedGen C5435656, MONDO:0700250, OMIM 220110. Disease mechanism: loss of function.
Leigh syndrome (NULS). Also called: Leigh Syndrome (mtDNA deletion); Leigh's syndrome; Subacute necrotizing encephalopathy; Necrotizing encephalopathy infantile subacute of Leigh; Leigh Disease; LEIGH SYNDROME, NUCLEAR. Identifiers: Orphanet 506, MedGen C2931891, MONDO:0009723, OMIM 256000.

Allele frequency attached by ClinVar (database versions not stated): 1000 Genomes Project 0.00200; 1000 Genomes Project 30x 0.00219; TOPMed 0.00385; gnomAD 0.00445 and 0.00462; gnomAD exomes 0.00484.

Submissions (3):

CeGaT Center for Human Genetics Tuebingen
Classification: Likely benign. Last evaluated: 2022-12-01. Review status: criteria provided, single submitter. Criteria: CeGaT Center For Human Genetics Tuebingen Variant Classification Criteria Version 2. Collection method: clinical testing. Allele origin: germline. Affected: yes. Observed: 1 variant allele.
Comment: COX10: BS2

Illumina Laboratory Services, Illumina
Classification: Uncertain significance for Leigh syndrome. Last evaluated: 2018-01-13. Review status: criteria provided, single submitter. Criteria: ICSL Variant Classification Criteria 13 December 2019. Collection method: clinical testing. Allele origin: germline.

Illumina Laboratory Services, Illumina
Classification: Uncertain significance for Mitochondrial complex IV deficiency, nuclear type 1. Last evaluated: 2018-01-13. Review status: criteria provided, single submitter. Criteria: ICSL Variant Classification Criteria 13 December 2019. Collection method: clinical testing. Allele origin: germline.